The following is an entry in ClinVar:

NM_152383.5(DIS3L2):c.2077G>C (p.Val693Leu)

Gene: DIS3L2 (DIS3 like 3'-5' exoribonuclease 2; plus strand). Cytogenetic location: 2q37.1.
Variant type: single nucleotide variant.
Coding change: c.2077G>C on transcript NM_152383.5 (MANE Select); coding-DNA position 2077, G replaced by C.
Protein change: p.Val693Leu; replaces valine 693 with leucine.
Molecular consequence: missense variant. On other transcripts: non-coding transcript variant (2), intron variant (1).
Genome position (GRCh38, 1-based): chr2:232,333,906, G>C. VCF-style: chr2-232333906-G-C. GRCh37 (hg19) VCF-style: chr2-233198616-G-C.
Other names: c.1582-9439G>C (NM_001257281.2); short protein forms V693L.
Identifiers: ClinVar variation 1397800 (VCV001397800.8), dbSNP rs1553551585, ClinGen allele CA350977429.

ClinVar aggregate classification (germline): Uncertain significance (1 of 4 stars; one submission).

Conditions:
Perlman syndrome (PRLMNS). Identifiers: Orphanet 2849, MedGen C0796113, MONDO:0009965, OMIM 267000.

Allele frequency attached by ClinVar (database versions not stated): TOPMed below 0.00001; gnomAD 0.00001.
gnomAD v4.1: 5 of 1,612,768 alleles (0.00031%); highest among the groups gnomAD compares: Non-Finnish European, 0.00042%; no homozygotes.

Submission:

Labcorp Genetics (formerly Invitae), Labcorp
Classification: Uncertain significance for Perlman syndrome. Last evaluated: 2025-05-19. Review status: criteria provided, single submitter. Criteria: Invitae Variant Classification Sherloc (09022015). Collection method: clinical testing. Allele origin: germline.
Comment: This sequence change replaces valine, which is neutral and non-polar, with leucine, which is neutral and non-polar, at codon 693 of the DIS3L2 protein (p.Val693Leu). This variant is not present in population databases (gnomAD no frequency). This variant has not been reported in the literature in individuals affected with DIS3L2-related conditions. ClinVar contains an entry for this variant (Variation ID: 1397800). Invitae Evidence Modeling of protein sequence and biophysical properties (such as structural, functional, and spatial information, amino acid conservation, physicochemical variation, residue mobility, and thermodynamic stability) indicates that this missense variant is not expected to disrupt DIS3L2 protein function with a negative predictive value of 80%. In summary, the available evidence is currently insufficient to determine the role of this variant in disease. Therefore, it has been classified as a Variant of Uncertain Significance.